The following is an entry in ClinVar:

ClinVar aggregate classification (germline): Uncertain significance (1 of 4 stars; one submission).

Conditions:
Inborn genetic diseases. Identifiers: MedGen C0950123, MeSH D030342.

Submission:

Ambry Genetics
Classification: Uncertain significance for Inborn genetic diseases. Last evaluated: 2026-08-09. Review status: criteria provided, single submitter. Criteria: Ambry Variant Classification Scheme 2023. Collection method: clinical testing. Allele origin: germline.
Comment: The p.E180V variant (also known as c.539A>T) is located in coding exon 6 of the RTEL1 gene. The glutamic acid at codon 180 is replaced by valine, an amino acid with dissimilar properties. This change occurs in the first base pair of coding exon 6. This amino acid position is conserved. In addition, this alteration is predicted to be tolerated by in silico analysis. Based on the available evidence, the clinical significance of this variant remains unclear.

NM_001283009.2(RTEL1):c.539A>T (p.Glu180Val)

Genes: RTEL1 (regulator of telomere elongation helicase 1; plus strand), RTEL1-TNFRSF6B (RTEL1-TNFRSF6B readthrough (NMD candidate); plus strand). Cytogenetic location: 20q13.33.
Variant type: single nucleotide variant.
Coding change: c.539A>T on transcript NM_001283009.2 (MANE Select); coding-DNA position 539, A replaced by T.
Protein change: p.Glu180Val; replaces glutamic acid 180 with valine.
Molecular consequence: missense variant. On other transcripts: non-coding transcript variant (1), 5 prime UTR variant (1).
Genome position (GRCh38, 1-based): chr20:63,666,004, A>T. VCF-style: chr20-63666004-A-T. GRCh37 (hg19) VCF-style: chr20-62297357-A-T.
Other names: c.-131A>T (NM_001283010.1); c.539A>T, p.Glu180Val (NM_016434.4); c.611A>T, p.Glu204Val (NM_032957.5); short protein forms E204V, E180V.
Identifiers: ClinVar variation 5028504 (VCV005028504.1).